The following is an entry in ClinVar:

NM_021098.3(CACNA1H):c.5144G>A (p.Arg1715His)

Gene: CACNA1H (calcium voltage-gated channel subunit alpha1 H; plus strand). Cytogenetic location: 16p13.3.
Variant type: single nucleotide variant.
Coding change: c.5144G>A on transcript NM_021098.3 (MANE Select); coding-DNA position 5144, G replaced by A.
Protein change: p.Arg1715His; replaces arginine 1715 with histidine.
Molecular consequence: missense variant.
Genome position (GRCh38, 1-based): chr16:1,215,346, G>A. VCF-style: chr16-1215346-G-A. GRCh37 (hg19) VCF-style: chr16-1265346-G-A.
Other names: c.5126G>A, p.Arg1709His (NM_001005407.2); short protein forms R1709H, R1715H.
Identifiers: ClinVar variation 1054198 (VCV001054198.9), dbSNP rs371577290, ClinGen allele CA7801806.

ClinVar aggregate classification (germline): Uncertain significance (1 of 4 stars; one submission).

Conditions:
Hyperaldosteronism, familial, type IV (HALD4). Also called: FH IV; ALDOSTERONISM, PRIMARY, AND HYPERTENSION. Identifiers: Orphanet 642671, MedGen C4310756, MONDO:0014875, OMIM 617027.
Idiopathic generalized epilepsy. Also called: Generalised epilepsy; EIG. Identifiers: MedGen C0270850, MONDO:0005579, OMIM 600669.

Allele frequency attached by ClinVar (database versions not stated): gnomAD 0.00003; TOPMed 0.00003; gnomAD exomes 0.00004; ExAC 0.00005; ESP Exome Variant Server 0.00016.
gnomAD v4.1: 66 of 1,611,024 alleles (0.0041%); highest among the groups gnomAD compares: Non-Finnish European, 0.0052%; no homozygotes.

Submission:

Labcorp Genetics (formerly Invitae), Labcorp
Classification: Uncertain significance for Idiopathic generalized epilepsy; Hyperaldosteronism, familial, type IV. Last evaluated: 2021-12-25. Review status: criteria provided, single submitter. Criteria: Invitae Variant Classification Sherloc (09022015). Collection method: clinical testing. Allele origin: germline.
Comment: In summary, the available evidence is currently insufficient to determine the role of this variant in disease. Therefore, it has been classified as a Variant of Uncertain Significance. Advanced modeling of protein sequence and biophysical properties (such as structural, functional, and spatial information, amino acid conservation, physicochemical variation, residue mobility, and thermodynamic stability) performed at Invitae indicates that this missense variant is expected to disrupt CACNA1H protein function. ClinVar contains an entry for this variant (Variation ID: 1054198). This variant has not been reported in the literature in individuals affected with CACNA1H-related conditions. This variant is present in population databases (rs371577290, gnomAD 0.008%). This sequence change replaces arginine, which is basic and polar, with histidine, which is basic and polar, at codon 1715 of the CACNA1H protein (p.Arg1715His).